The following is an entry in ClinVar:

NM_001035.3(RYR2):c.10360C>G (p.Arg3454Gly)

Gene: RYR2 (ryanodine receptor 2; plus strand). Cytogenetic location: 1q43.
Variant type: single nucleotide variant.
Coding change: c.10360C>G on transcript NM_001035.3 (MANE Select); coding-DNA position 10360, C replaced by G.
Protein change: p.Arg3454Gly; replaces arginine 3454 with glycine.
Molecular consequence: missense variant.
Genome position (GRCh38, 1-based): chr1:237,717,234, C>G. VCF-style: chr1-237717234-C-G. GRCh37 (hg19) VCF-style: chr1-237880534-C-G.
Other names: short protein forms R3454G.
Identifiers: ClinVar variation 2073865 (VCV002073865.4), dbSNP rs773252606, ClinGen allele CA345414272.

ClinVar aggregate classification (germline): Uncertain significance (1 of 4 stars; one submission).

Conditions:
Catecholaminergic polymorphic ventricular tachycardia 1. Also called: RYR2-Related Catecholaminergic Polymorphic Ventricular Tachycardia; VENTRICULAR TACHYCARDIA, STRESS-INDUCED POLYMORPHIC 1; VENTRICULAR TACHYCARDIA, CATECHOLAMINERGIC POLYMORPHIC, 1, WITH OR WITHOUT ATRIAL DYSFUNCTION AND/OR DILATED CARDIOMYOPATHY. Identifiers: Orphanet 3286, MedGen C1631597, MONDO:0011484, OMIM 604772.

gnomAD v4.1: 1 of 1,613,612 alleles (0.000062%); highest among the groups gnomAD compares: Non-Finnish European, 0.000085%; no homozygotes.

Submission:

Labcorp Genetics (formerly Invitae), Labcorp
Classification: Uncertain significance for Catecholaminergic polymorphic ventricular tachycardia 1. Last evaluated: 2022-04-01. Review status: criteria provided, single submitter. Criteria: Invitae Variant Classification Sherloc (09022015). Collection method: clinical testing. Allele origin: germline.
Comment: This variant is present in population databases (no rsID available, gnomAD 0.0009%). This sequence change replaces arginine, which is basic and polar, with glycine, which is neutral and non-polar, at codon 3454 of the RYR2 protein (p.Arg3454Gly). This variant has not been reported in the literature in individuals affected with RYR2-related conditions. In summary, the available evidence is currently insufficient to determine the role of this variant in disease. Therefore, it has been classified as a Variant of Uncertain Significance. Advanced modeling of protein sequence and biophysical properties (such as structural, functional, and spatial information, amino acid conservation, physicochemical variation, residue mobility, and thermodynamic stability) performed at Invitae indicates that this missense variant is expected to disrupt RYR2 protein function.